The following is an entry in ClinVar:

NM_033159.4(HYAL1):c.31del (p.Leu11fs)

Gene: HYAL1 (hyaluronidase 1; minus strand). Cytogenetic location: 3p21.31.
Variant type: Deletion.
Coding change: c.31del on transcript NM_033159.4 (MANE Select); coding-DNA position 31, one base deleted (C; older notation c.31delC).
Protein change: p.Leu11fs; shifts the reading frame from leucine 11.
Molecular consequence: frameshift variant. On other transcripts: non-coding transcript variant (1), intron variant (2).
Genome position (GRCh38, 1-based): chr3:50,302,926, G deleted on the plus strand (C on the coding strand, the reverse complement: HYAL1 is on the minus strand); the first of 3 consecutive G bases (chr3:50,302,926-50,302,928); deleting any one gives the same sequence. VCF-style (leftmost placement, unchanged base first): chr3-50302925-AG-A. GRCh37 (hg19) VCF-style: chr3-50340356-AG-A.
Other names: c.31del, p.Leu11fs (NM_153281.2, NM_153282.3); c.-27+540del (NM_153285.3); c.-213-303del (NM_153283.3); short protein forms L11fs.
Identifiers: ClinVar variation 4816911 (VCV004816911.1).

ClinVar aggregate classification (germline): Likely pathogenic (1 of 4 stars; one submission).

Conditions:
Deficiency of hyaluronoglucosaminidase (MPS9). Also called: MPS IX; Mucopolysaccharidosis type 9; HYALURONIDASE DEFICIENCY. Identifiers: Orphanet 67041, MedGen C1291490, MONDO:0011093, OMIM 601492.

Submission:

Natera, Inc.
Classification: Likely pathogenic for Mucopolysaccharidosis type IX. Last evaluated: 2025-10-30. Review status: criteria provided, single submitter. Criteria: Natera Variant Classification Schema (03/2026). Collection method: clinical testing. Allele origin: germline.
Comment: The c.31del variant in HYAL1 is a frameshift variant predicted to shift the reading frame beginning at codon 11 and leads to a stop codon 3 codons downstream. This variant is expected to result in nonsense mediated decay, truncation, or a dysfunctional protein product. This variant is rare in the general population with a frequency below the threshold expected for the associated phenotype(s). Given the available evidence, this variant is classified as Likely Pathogenic.